The following is an entry in ClinVar:

NM_004168.4(SDHA):c.218G>T (p.Gly73Val)

Gene: SDHA (succinate dehydrogenase complex flavoprotein subunit A; plus strand). Cytogenetic location: 5p15.33.
Variant type: single nucleotide variant.
Coding change: c.218G>T on transcript NM_004168.4 (MANE Select); coding-DNA position 218, G replaced by T.
Protein change: p.Gly73Val; replaces glycine 73 with valine.
Molecular consequence: missense variant.
Genome position (GRCh38, 1-based): chr5:224,427, G>T. VCF-style: chr5-224427-G-T. GRCh37 (hg19) VCF-style: chr5-224542-G-T.
Other names: c.218G>T, p.Gly73Val (NM_001294332.2, NM_001330758.2); short protein forms G73V.
Identifiers: ClinVar variation 486399 (VCV000486399.16), dbSNP rs1553997347, ClinGen allele CA359008510.
Genomic context (GRCh38, chr5:224,427, plus strand): 5'-CTCAGTATCCAGTAGTGGATCATGAATTTGATGCAGTGGTGGTAGGCGCTGGAGGGGCAG[G>T]CTTGCGAGCTGCATTTGGCCTTTCTGAGGCAGGGTTTAATACAGCATGTGTTACCAAGCT-3'
Protein context (NP_004159.2, residues 63-83): DAVVVGAGGA[Gly73Val]LRAAFGLSEA

ClinVar aggregate classification (germline): Uncertain significance. Review status: criteria provided, multiple submitters, no conflicts (2 of 4 stars). 2 submissions from 2 submitters: Uncertain significance (2). Last evaluated 2026-02-09.

Conditions:
Mitochondrial complex II deficiency, nuclear type 1. Also called: SUCCINATE CoQ REDUCTASE DEFICIENCY. Identifiers: Orphanet 3208, MedGen C5700310, MONDO:0100294, OMIM 252011.
Pheochromocytoma/paraganglioma syndrome 5. Also called: Paragangliomas 5; SDHA-Related Hereditary Paraganglioma-Pheochromocytoma Syndrome. Identifiers: Orphanet 29072, MedGen C3279992, MONDO:0013602, OMIM 614165.
Hereditary cancer-predisposing syndrome. Also called: Neoplastic Syndromes, Hereditary; Hereditary Cancer Syndrome; Hereditary neoplastic syndrome; Tumor predisposition. Identifiers: Orphanet 140162, MedGen C0027672, MeSH D009386, MONDO:0015356.

Submissions (2):

Ambry Genetics
Classification: Uncertain significance for Hereditary cancer-predisposing syndrome. Last evaluated: 2026-02-09. Review status: criteria provided, single submitter. Criteria: Ambry Variant Classification Scheme 2023. Collection method: clinical testing. Allele origin: germline.
Comment: The p.G73V variant (also known as c.218G>T), located in coding exon 3 of the SDHA gene, results from a G to T substitution at nucleotide position 218. The glycine at codon 73 is replaced by valine, an amino acid with dissimilar properties. This amino acid position is highly conserved in available vertebrate species. In addition, this alteration is predicted to be deleterious by in silico analysis. Based on the available evidence, the clinical significance of this variant remains unclear.

Labcorp Genetics (formerly Invitae), Labcorp
Classification: Uncertain significance for Pheochromocytoma/paraganglioma syndrome 5; Mitochondrial complex II deficiency, nuclear type 1. Last evaluated: 2024-05-22. Review status: criteria provided, single submitter. Criteria: Invitae Variant Classification Sherloc (09022015). Collection method: clinical testing. Allele origin: germline.
Comment: This sequence change replaces glycine, which is neutral and non-polar, with valine, which is neutral and non-polar, at codon 73 of the SDHA protein (p.Gly73Val). This variant is not present in population databases (gnomAD no frequency). This missense change has been observed in individual(s) with clinical features of SDHA-related conditions (Invitae). ClinVar contains an entry for this variant (Variation ID: 486399). Advanced modeling of protein sequence and biophysical properties (such as structural, functional, and spatial information, amino acid conservation, physicochemical variation, residue mobility, and thermodynamic stability) performed at Invitae indicates that this missense variant is expected to disrupt SDHA protein function with a positive predictive value of 80%. In summary, the available evidence is currently insufficient to determine the role of this variant in disease. Therefore, it has been classified as a Variant of Uncertain Significance.